The following is an entry in ClinVar:

NM_017780.4(CHD7):c.7145C>T (p.Thr2382Met)

Gene: CHD7 (chromodomain helicase DNA binding protein 7; plus strand). Cytogenetic location: 8q12.2.
Variant type: single nucleotide variant.
Coding change: c.7145C>T on transcript NM_017780.4 (MANE Select); coding-DNA position 7145, C replaced by T.
Protein change: p.Thr2382Met; replaces threonine 2382 with methionine.
Molecular consequence: missense variant. On other transcripts: intron variant (1).
Genome position (GRCh38, 1-based): chr8:60,856,183, C>T. VCF-style: chr8-60856183-C-T. GRCh37 (hg19) VCF-style: chr8-61768742-C-T.
Other names: c.1717-6046C>T (NM_001316690.1); short protein forms T2382M.
Identifiers: ClinVar variation 858957 (VCV000858957.23), dbSNP rs189926848, ClinGen allele CA4760748.
Genomic context (GRCh38, chr8:60,856,183, plus strand): 5'-GCTTTGCTGAGCTCTCCATGGTCGGCCAAGCCAGCATTAGTGGGAGTGAGGACATCACTA[C>T]GTCTCCTCAGTTGTCAAAGGTGAATTAGAATGGCTTGTTTCTGCAGCTTAAAAGGGAGCT-3'
Protein context (NP_060250.2, residues 2372-2392): ASISGSEDIT[Thr2382Met]SPQLSKEDAL

ClinVar aggregate classification (germline): Conflicting classifications of pathogenicity. Review status: criteria provided, conflicting classifications (1 of 4 stars). 4 submissions from 4 submitters: Uncertain significance (2); Benign (1); Likely benign (1). Last evaluated 2025-08-06.

Conditions:
Hypogonadotropic hypogonadism 5 with or without anosmia (KAL5). Also called: HYPOGONADOTROPIC HYPOGONADISM 5 WITH ANOSMIA; HYPOGONADOTROPHIC HYPOGONADISM 5 WITHOUT ANOSMIA; CHD7-Related GnRH Deficiency (Kallmann Syndrome 5). Identifiers: Orphanet 478, MedGen C3552553, MONDO:0012880, OMIM 612370. Disease mechanism: loss of function.
CHARGE syndrome (CHARGE). Also called: CHARGE ASSOCIATION--COLOBOMA, HEART ANOMALY, CHOANAL ATRESIA, RETARDATION, GENITAL AND EAR ANOMALIES; Coloboma, heart anomaly, choanal atresia, retardation, genital and ear anomalies; CHARGE association; Hall-Hittner syndrome; Hittner Hirsch Kreh syndrome. Identifiers: Orphanet 138, MedGen C0265354, MONDO:0008965.
Inborn genetic diseases. Identifiers: MedGen C0950123, MeSH D030342.

Allele frequency attached by ClinVar (database versions not stated): ExAC 0.00002; gnomAD 0.00002 and 0.00003; gnomAD exomes 0.00002; TOPMed 0.00005; 1000 Genomes Project 0.00020; 1000 Genomes Project 30x 0.00031.
gnomAD v4.1: 29 of 1,593,716 alleles (0.0018%); highest among the groups gnomAD compares: East Asian, 0.036%; 1 homozygote.

Submissions (4):

Labcorp Genetics (formerly Invitae), Labcorp
Classification: Benign for CHARGE syndrome. Last evaluated: 2025-08-06. Review status: criteria provided, single submitter. Criteria: Invitae Variant Classification Sherloc (09022015). Collection method: clinical testing. Allele origin: germline.

CeGaT Center for Human Genetics Tuebingen
Classification: Likely benign. Last evaluated: 2025-05-01. Review status: criteria provided, single submitter. Criteria: CeGaT Center For Human Genetics Tuebingen Variant Classification Criteria Version 2. Collection method: clinical testing. Allele origin: germline. Affected: yes. Observed: 1 variant allele.
Comment: CHD7: BP4

Fulgent Genetics
Classification: Uncertain significance for CHD7-related CHARGE syndrome; Hypogonadotropic hypogonadism 5 with or without anosmia. Last evaluated: 2021-07-06. Review status: criteria provided, single submitter. Criteria: ACMG Guidelines, 2015. Collection method: clinical testing. Allele origin: unknown.

Ambry Genetics
Classification: Uncertain significance for Inborn genetic diseases. Last evaluated: 2018-11-06. Review status: criteria provided, single submitter. Criteria: Ambry Variant Classification Scheme 2023. Collection method: clinical testing. Allele origin: germline.
Comment: The p.T2382M variant (also known as c.7145C>T), located in coding exon 32 of the CHD7 gene, results from a C to T substitution at nucleotide position 7145. The threonine at codon 2382 is replaced by methionine, an amino acid with similar properties. This amino acid position is poorly conserved in available vertebrate species. In addition, this alteration is predicted to be tolerated by in silico analysis. Since supporting evidence is limited at this time, the clinical significance of this alteration remains unclear.